The following is an entry in ClinVar:

NM_004444.5(EPHB4):c.2658C>T (p.Ile886=)

Genes: EPHB4 (EPH receptor B4; minus strand), LOC126860124 (CDK7 strongly-dependent group 2 enhancer GRCh37_chr7:100403701-100404900; plus strand). Cytogenetic location: 7q22.1.
Variant type: single nucleotide variant.
Coding change: c.2658C>T on transcript NM_004444.5 (MANE Select); coding-DNA position 2658, C replaced by T.
Protein change: p.Ile886=; no amino-acid change (isoleucine 886 retained).
Molecular consequence: synonymous variant.
Genome position (GRCh38, 1-based): chr7:100,805,521, G>A on the plus strand (C>T on the coding strand, the complement: EPHB4 is on the minus strand). VCF-style: chr7-100805521-G-A. GRCh37 (hg19) VCF-style: chr7-100403143-G-A.
Other names: p.Ile886=.
Identifiers: ClinVar variation 708483 (VCV000708483.17), dbSNP rs149061889, ClinGen allele CA4392588.

ClinVar aggregate classification (germline): Benign/Likely benign. Review status: criteria provided, multiple submitters, no conflicts (2 of 4 stars). 6 submissions from 6 submitters: Benign (5); Likely benign (1). Last evaluated 2026-01-14.

Conditions:
Cardiovascular phenotype. Identifiers: MedGen CN230736.

Allele frequency attached by ClinVar (database versions not stated): gnomAD exomes 0.00240; ExAC 0.00261; gnomAD 0.00703 and 0.00771; 1000 Genomes Project 0.00739; TOPMed 0.00764; 1000 Genomes Project 30x 0.00765; ESP Exome Variant Server 0.00777.
gnomAD v4.1: 2,000 of 1,522,276 alleles (0.13%); highest among the groups gnomAD compares: African/African-American, 2.4%; 15 homozygotes.

Submissions (6):

Labcorp Genetics (formerly Invitae), Labcorp
Classification: Benign. Last evaluated: 2026-01-14. Review status: criteria provided, single submitter. Criteria: Invitae Variant Classification Sherloc (09022015). Collection method: clinical testing. Allele origin: germline.

Blueprint Genetics
Classification: Likely benign. Last evaluated: 2024-11-06. Review status: criteria provided, single submitter. Criteria: ACMG Guidelines, 2015. Collection method: clinical testing. Allele origin: germline.

ARUP Laboratories, Molecular Genetics and Genomics, ARUP Laboratories
Classification: Benign. Last evaluated: 2024-05-14. Review status: criteria provided, single submitter. Criteria: ARUP Molecular Germline Variant Investigation Process 2024. Collection method: clinical testing. Allele origin: germline.

Mayo Clinic Laboratories, Mayo Clinic
Classification: Benign. Last evaluated: 2023-02-22. Review status: criteria provided, single submitter. Criteria: ACMG Guidelines, 2015. Collection method: clinical testing. Allele origin: germline. Observed: 8 variant alleles.
Comment: BS1, BS2, BP4, BP7

Ambry Genetics
Classification: Benign for Cardiovascular phenotype. Last evaluated: 2021-08-20. Review status: criteria provided, single submitter. Criteria: Ambry Variant Classification Scheme 2023. Collection method: clinical testing. Allele origin: germline.

Breakthrough Genomics
Classification: Benign. Review status: criteria provided, single submitter. Criteria: ACMG Guidelines, 2015. Collection method: not provided. Allele origin: germline. Inheritance: Autosomal dominant inheritance. Affected: yes.